The following is an entry in ClinVar:

ClinVar aggregate classification (germline): Uncertain significance (0 of 4 stars; one submission).

Conditions:
MYH9-related disorder. Identifiers: MedGen C1854520.

Allele frequency attached by ClinVar (database versions not stated): gnomAD exomes below 0.00001.
gnomAD v4.1: 2 of 1,614,228 alleles (0.00012%); highest among the groups gnomAD compares: South Asian, 0.0022%; no homozygotes.

Submission:

PreventionGenetics, part of Exact Sciences
Classification: Uncertain significance for MYH9-related condition. Last evaluated: 2023-12-07. Review status: no assertion criteria provided. Collection method: clinical testing. Allele origin: germline.
Comment: The MYH9 c.422A>G variant is predicted to result in the amino acid substitution p.Lys141Arg. To our knowledge, this variant has not been reported in the literature. This variant is reported in 0.0033% of alleles in individuals of South Asian descent in gnomAD. At this time, the clinical significance of this variant is uncertain due to the absence of conclusive functional and genetic evidence.

NM_002473.6(MYH9):c.422A>G (p.Lys141Arg)

Gene: MYH9 (myosin heavy chain 9; minus strand). Cytogenetic location: 22q12.3.
Variant type: single nucleotide variant.
Coding change: c.422A>G on transcript NM_002473.6 (MANE Select); coding-DNA position 422, A replaced by G.
Protein change: p.Lys141Arg; replaces lysine 141 with arginine.
Molecular consequence: missense variant.
Genome position (GRCh38, 1-based): chr22:36,341,438, T>C on the plus strand (A>G on the coding strand, the complement: MYH9 is on the minus strand). VCF-style: chr22-36341438-T-C. GRCh37 (hg19) VCF-style: chr22-36737483-T-C.
Other names: short protein forms K141R.
Identifiers: ClinVar variation 3061483 (VCV003061483.2), dbSNP rs1318401504, ClinGen allele CA411548801.